The following is an entry in ClinVar:

ClinVar aggregate classification (germline): Conflicting classifications of pathogenicity. Review status: criteria provided, conflicting classifications (1 of 4 stars). 5 submissions from 5 submitters: Uncertain significance (2); Benign (1); Likely benign (2). Last evaluated 2025-06-02.

Conditions:
Inborn genetic diseases. Identifiers: MedGen C0950123, MeSH D030342.
Intellectual developmental disorder, autosomal dominant 6, with or without seizures. Also called: Intellectual disability, autosomal dominant 6; GRIN2B-related developmental delay, intellectual disability and autism spectrum disorder. Identifiers: Orphanet 589547, MedGen C3151411, MONDO:0013509, OMIM 613970.
Developmental and epileptic encephalopathy, 27 (DEE27). Also called: GRIN2B-Related Neurodevelopmental Disorder; Epileptic encephalopathy, early infantile, 27. Identifiers: Orphanet 3451, MedGen C4015316, MONDO:0014505, OMIM 616139.

Allele frequency attached by ClinVar (database versions not stated): gnomAD 0.00004 and 0.00005; ExAC 0.00005; gnomAD exomes 0.00002 and 0.00005; TOPMed 0.00003; 1000 Genomes Project 30x 0.00016; 1000 Genomes Project 0.00020.

Submissions (5):

Labcorp Genetics (formerly Invitae), Labcorp
Classification: Benign for Developmental and epileptic encephalopathy, 27; Intellectual developmental disorder, autosomal dominant 6, with or without seizures. Last evaluated: 2025-06-02. Review status: criteria provided, single submitter. Criteria: Invitae Variant Classification Sherloc (09022015). Collection method: clinical testing. Allele origin: germline.

CeGaT Center for Human Genetics Tuebingen
Classification: Uncertain significance. Last evaluated: 2018-11-01. Review status: criteria provided, single submitter. Criteria: CeGaT Center For Human Genetics Tuebingen Variant Classification Criteria Version 2. Collection method: clinical testing. Allele origin: germline. Affected: yes. Observed: 1 variant allele.

GeneDx
Classification: Likely benign. Last evaluated: 2018-01-25. Review status: criteria provided, single submitter. Criteria: GeneDx Variant Classification (06012015). Collection method: clinical testing. Allele origin: germline. Affected: yes.
Comment: This variant is considered likely benign or benign based on one or more of the following criteria: it is a conservative change, it occurs at a poorly conserved position in the protein, it is predicted to be benign by multiple in silico algorithms, and/or has population frequency not consistent with disease.

Ambry Genetics
Classification: Likely benign for Inborn genetic diseases. Last evaluated: 2017-08-31. Review status: criteria provided, single submitter. Criteria: Ambry Variant Classification Scheme 2023. Collection method: clinical testing. Allele origin: germline.

Center for Pediatric Genomic Medicine, Children's Mercy Hospital and Clinics
Classification: Uncertain significance. Last evaluated: 2017-02-06. Review status: criteria provided, single submitter. Criteria: ACMG Guidelines, 2015. Collection method: clinical testing. Allele origin: germline.
ClinVar note: Converted during submission from Uncertain Significance to Uncertain significance.

NM_000834.5(GRIN2B):c.3993G>A (p.Met1331Ile)

Gene: GRIN2B (glutamate ionotropic receptor NMDA type subunit 2B; minus strand). Cytogenetic location: 12p13.1.
Variant type: single nucleotide variant.
Coding change: c.3993G>A on transcript NM_000834.5 (MANE Select); coding-DNA position 3993, G replaced by A.
Protein change: p.Met1331Ile; replaces methionine 1331 with isoleucine.
Molecular consequence: missense variant.
Genome position (GRCh38, 1-based): chr12:13,563,245, C>T on the plus strand (G>A on the coding strand, the complement: GRIN2B is on the minus strand). VCF-style: chr12-13563245-C-T. GRCh37 (hg19) VCF-style: chr12-13716179-C-T.
Other names: short protein forms M1331I.
Identifiers: ClinVar variation 376804 (VCV000376804.56), dbSNP rs200035225, ClinGen allele CA6460807.